The following is an entry in ClinVar:

NM_001278064.2(GRM1):c.74G>A (p.Arg25Lys)

Gene: GRM1 (glutamate metabotropic receptor 1; plus strand). Cytogenetic location: 6q24.3.
Variant type: single nucleotide variant.
Coding change: c.74G>A on transcript NM_001278064.2 (MANE Select); coding-DNA position 74, G replaced by A.
Protein change: p.Arg25Lys; replaces arginine 25 with lysine.
Molecular consequence: missense variant.
Genome position (GRCh38, 1-based): chr6:146,029,591, G>A. VCF-style: chr6-146029591-G-A. GRCh37 (hg19) VCF-style: chr6-146350727-G-A.
Other names: c.74G>A, p.Arg25Lys (NM_001278065.2, NM_001278066.1, NM_001278067.1); short protein forms R25K.
Identifiers: ClinVar variation 1916022 (VCV001916022.5), dbSNP rs148650922, ClinGen allele CA148920806.

ClinVar aggregate classification (germline): Uncertain significance (1 of 4 stars; one submission).

Allele frequency attached by ClinVar (database versions not stated): gnomAD exomes below 0.00001; gnomAD 0.00001; TOPMed 0.00002; ESP Exome Variant Server 0.00008.
gnomAD v4.1: 2 of 1,614,060 alleles (0.00012%); highest among the groups gnomAD compares: African/African-American, 0.0027%; no homozygotes.

Submission:

Labcorp Genetics (formerly Invitae), Labcorp
Classification: Uncertain significance. Last evaluated: 2024-11-05. Review status: criteria provided, single submitter. Criteria: Invitae Variant Classification Sherloc (09022015). Collection method: clinical testing. Allele origin: germline.
Comment: This sequence change replaces arginine, which is basic and polar, with lysine, which is basic and polar, at codon 25 of the GRM1 protein (p.Arg25Lys). This variant is present in population databases (rs148650922, gnomAD 0.01%). This variant has not been reported in the literature in individuals affected with GRM1-related conditions. ClinVar contains an entry for this variant (Variation ID: 1916022). An algorithm developed to predict the effect of missense changes on protein structure and function (PolyPhen-2) suggests that this variant is likely to be tolerated. In summary, the available evidence is currently insufficient to determine the role of this variant in disease. Therefore, it has been classified as a Variant of Uncertain Significance.